The following is an entry in ClinVar:

ClinVar aggregate classification (germline): Conflicting classifications of pathogenicity. Review status: criteria provided, conflicting classifications (1 of 4 stars). 4 submissions from 4 submitters: Uncertain significance (2); Benign (1); Likely benign (1). Last evaluated 2025-11-28.

Submissions (4):

Labcorp Genetics (formerly Invitae), Labcorp
Classification: Benign. Last evaluated: 2025-11-28. Review status: criteria provided, single submitter. Criteria: Invitae Variant Classification Sherloc (09022015). Collection method: clinical testing. Allele origin: germline.

Women's Health and Genetics/Laboratory Corporation of America, LabCorp
Classification: Uncertain significance. Last evaluated: 2024-12-09. Review status: criteria provided, single submitter. Criteria: LabCorp Variant Classification Summary - May 2015. Collection method: clinical testing. Allele origin: germline.
Comment: Variant summary: RASGRP2 c.372-3dupC alters a non-conserved nucleotide located close to a canonical splice site and therefore could affect mRNA splicing, leading to a significantly altered protein sequence. Consensus agreement among computation tools predict no significant impact on normal splicing. However, these predictions have yet to be confirmed by functional studies. The frequency data for this variant in gnomAD is considered unreliable, as metrics indicate poor data quality at this position. To our knowledge, no occurrence of c.372-3dupC in individuals affected with Platelet-Type Bleeding Disorder 18 and no experimental evidence demonstrating its impact on protein function have been reported. ClinVar contains an entry for this variant (Variation ID: 502626). Based on the evidence outlined above, the variant was classified as uncertain significance.

Blueprint Genetics
Classification: Likely benign. Last evaluated: 2022-12-08. Review status: criteria provided, single submitter. Criteria: ACMG Guidelines, 2015. Collection method: clinical testing. Allele origin: germline.

Eurofins Ntd Llc (ga)
Classification: Uncertain significance. Last evaluated: 2017-06-28. Review status: criteria provided, single submitter. Criteria: EGL Classification Definitions 2015. Collection method: clinical testing. Allele origin: germline. Observed: 1 variant allele, 1 heterozygote.

NM_153819.1(RASGRP2):c.372-3dup

Gene: RASGRP2 (RAS guanyl releasing protein 2; minus strand). Cytogenetic location: 11q13.1.
Variant type: Duplication.
Coding change: c.372-3dup on transcript NM_153819.1; 3 bases into the intron before coding-DNA position 372, one base duplicated (C; older notation c.372-3dupC).
Molecular consequence: intron variant.
Genome position (GRCh38, 1-based): chr11:64,740,166, G duplicated on the plus strand (C on the coding strand, the reverse complement: RASGRP2 is on the minus strand); the first of 7 consecutive G bases (chr11:64,740,166-64,740,172); duplicating any one gives the same sequence. VCF-style (leftmost placement, unchanged base first): chr11-64740165-T-TG. GRCh37 (hg19) VCF-style: chr11-64507637-T-TG.
Other names: c.372-3dupC (NM_153819.1); c.372-3dup (NM_153819.2, NM_001440690.1, NM_001440698.1 and 13 more transcripts); c.459-3dup (NM_001440705.1, NM_001440703.1, NM_001440704.1); c.-64-3dup (NM_001318398.2).
Identifiers: ClinVar variation 502626 (VCV000502626.8), dbSNP rs780634022, ClinGen allele CA6079241.